The following is an entry in ClinVar:

ClinVar aggregate classification (germline): Uncertain significance (1 of 4 stars; one submission).

Submission:

Labcorp Genetics (formerly Invitae), Labcorp
Classification: Uncertain significance. Last evaluated: 2024-12-07. Review status: criteria provided, single submitter. Criteria: Invitae Variant Classification Sherloc (09022015). Collection method: clinical testing. Allele origin: germline.
Comment: This sequence change replaces valine, which is neutral and non-polar, with isoleucine, which is neutral and non-polar, at codon 936 of the VPS13C protein (p.Val936Ile). This variant is not present in population databases (gnomAD no frequency). This variant has not been reported in the literature in individuals affected with VPS13C-related conditions. Invitae Evidence Modeling of protein sequence and biophysical properties (such as structural, functional, and spatial information, amino acid conservation, physicochemical variation, residue mobility, and thermodynamic stability) indicates that this missense variant is not expected to disrupt VPS13C protein function with a negative predictive value of 80%. In summary, the available evidence is currently insufficient to determine the role of this variant in disease. Therefore, it has been classified as a Variant of Uncertain Significance.

NM_020821.3(VPS13C):c.2806G>A (p.Val936Ile)

Gene: VPS13C (vacuolar protein sorting 13 homolog C; minus strand). Cytogenetic location: 15q22.2.
Variant type: single nucleotide variant.
Coding change: c.2806G>A on transcript NM_020821.3 (MANE Select); coding-DNA position 2806, G replaced by A.
Protein change: p.Val936Ile; replaces valine 936 with isoleucine.
Molecular consequence: missense variant.
Genome position (GRCh38, 1-based): chr15:61,969,404, C>T on the plus strand (G>A on the coding strand, the complement: VPS13C is on the minus strand). VCF-style: chr15-61969404-C-T. GRCh37 (hg19) VCF-style: chr15-62261603-C-T.
Other names: c.2806G>A, p.Val936Ile (NM_001018088.3); c.2677G>A, p.Val893Ile (NM_017684.5, NM_018080.4); short protein forms V893I, V936I.
Identifiers: ClinVar variation 3699044 (VCV003699044.2).